The following is an entry in ClinVar:

ClinVar aggregate classification (germline): Uncertain significance (1 of 4 stars; one submission).

gnomAD v4.1: 41 of 1,613,686 alleles (0.0025%); highest among the groups gnomAD compares: Non-Finnish European, 0.0014%; no homozygotes.

Submission:

Ambry Genetics
Classification: Uncertain significance. Last evaluated: 2024-11-21. Review status: criteria provided, single submitter. Criteria: Ambry Variant Classification Scheme 2023. Collection method: clinical testing. Allele origin: germline.
Comment: The p.D367H variant (also known as c.1099G>C), located in coding exon 8 of the ATRIP gene, results from a G to C substitution at nucleotide position 1099. The aspartic acid at codon 367 is replaced by histidine, an amino acid with similar properties. This amino acid position is conserved. In addition, this alteration is predicted to be tolerated by in silico analysis. Based on the available evidence, the clinical significance of this variant remains unclear.

NM_130384.3(ATRIP):c.1099G>C (p.Asp367His)

Genes: ATRIP (ATR interacting protein; plus strand), ATRIP-TREX1 (ATRIP-TREX1 readthrough; plus strand). Cytogenetic location: 3p21.31.
Variant type: single nucleotide variant.
Coding change: c.1099G>C on transcript NM_130384.3 (MANE Select); coding-DNA position 1099, G replaced by C.
Protein change: p.Asp367His; replaces aspartic acid 367 with histidine.
Molecular consequence: missense variant. On other transcripts: non-coding transcript variant (1).
Genome position (GRCh38, 1-based): chr3:48,460,153, G>C. VCF-style: chr3-48460153-G-C. GRCh37 (hg19) VCF-style: chr3-48501552-G-C.
Other names: c.820G>C, p.Asp274His (NM_001271023.2); c.1099G>C, p.Asp367His (NM_032166.4); c.718G>C, p.Asp240His (NM_001271022.2); short protein forms D367H, D240H, D274H.
Identifiers: ClinVar variation 3332408 (VCV003332408.2).